The following is an entry in ClinVar:

ClinVar aggregate classification (germline): Pathogenic/Likely pathogenic. Review status: criteria provided, multiple submitters, no conflicts (2 of 4 stars). 2 submissions from 2 submitters: Pathogenic (1); Likely pathogenic (1). Last evaluated 2021-12-21.

Conditions:
MFRP-related disorder. Also called: MFRP-related disorders; MFRP-related condition.
Isolated microphthalmia 5. Also called: Posterior Microphthalmia with Retinitis Pigmentosa, Foveoschisis, and Optic Disc Drusen. Identifiers: Orphanet 251279, MedGen C1970236, MONDO:0012605, OMIM 611040.

Allele frequency attached by ClinVar (database versions not stated): TOPMed 0.00001; ExAC 0.00001; gnomAD exomes 0.00004 and 0.00001; gnomAD 0.00001.
gnomAD v4.1: 55 of 1,613,752 alleles (0.0034%); highest among the groups gnomAD compares: Non-Finnish European, 0.0044%; no homozygotes.

Submissions (2):

Labcorp Genetics (formerly Invitae), Labcorp
Classification: Pathogenic for Isolated microphthalmia 5. Last evaluated: 2021-12-21. Review status: criteria provided, single submitter. Criteria: Invitae Variant Classification Sherloc (09022015). Collection method: clinical testing. Allele origin: germline.
Comment: This sequence change creates a premature translational stop signal (p.Glu133*) in the MFRP gene. It is expected to result in an absent or disrupted protein product. Loss-of-function variants in MFRP are known to be pathogenic (PMID: 12140190, 15976030, 20361016). This variant is present in population databases (rs770341402, gnomAD 0.003%). This variant has not been reported in the literature in individuals affected with MFRP-related conditions. ClinVar contains an entry for this variant (Variation ID: 468921). For these reasons, this variant has been classified as Pathogenic.

Blueprint Genetics
Classification: Likely pathogenic for MFRP-related disorders. Last evaluated: 2021-09-10. Review status: criteria provided, single submitter. Criteria: ACMG Guidelines, 2015. Collection method: clinical testing. Allele origin: germline. Affected: yes. Observed: 2 variant alleles.

Literature cited by the submitters: PubMed 12140190 (cited by Labcorp Genetics (formerly Invitae), Labcorp); PubMed 15976030 (cited by Labcorp Genetics (formerly Invitae), Labcorp); PubMed 20361016 (cited by Labcorp Genetics (formerly Invitae), Labcorp).

NM_031433.4(MFRP):c.397G>T (p.Glu133Ter)

Genes: C1QTNF5 (C1q and TNF related 5; minus strand), MFRP (membrane frizzled-related protein; minus strand). Cytogenetic location: 11q23.3.
Variant type: single nucleotide variant.
Coding change: c.397G>T on transcript NM_031433.4 (MANE Select); coding-DNA position 397, G replaced by T.
Protein change: p.Glu133Ter; replaces glutamic acid 133 with a stop codon.
Molecular consequence: nonsense. On other transcripts: 5 prime UTR variant (1).
Genome position (GRCh38, 1-based): chr11:119,345,803, C>A on the plus strand (G>T on the coding strand, the complement: MFRP is on the minus strand). VCF-style: chr11-119345803-C-A. GRCh37 (hg19) VCF-style: chr11-119216513-C-A.
Other names: c.-2240G>T (NM_015645.5); short protein forms E133*.
Identifiers: ClinVar variation 468921 (VCV000468921.6), dbSNP rs770341402, ClinGen allele CA6320588.